The following is an entry in ClinVar:

NM_001367721.1(CASK):c.2647C>T (p.Gln883Ter)

Genes: CASK (calcium/calmodulin dependent serine protein kinase; minus strand), CASK-AS1 (CASK antisense RNA 1; plus strand). Cytogenetic location: Xp11.4.
Variant type: single nucleotide variant.
Coding change: c.2647C>T on transcript NM_001367721.1 (MANE Select); coding-DNA position 2647, C replaced by T.
Protein change: p.Gln883Ter; replaces glutamine 883 with a stop codon.
Molecular consequence: nonsense.
Genome position (GRCh38, 1-based): chrX:41,520,554, G>A on the plus strand (C>T on the coding strand, the complement: CASK is on the minus strand). VCF-style: chrX-41520554-G-A. GRCh37 (hg19) VCF-style: chrX-41379807-G-A.
Other names: c.2563C>T, p.Gln855Ter (NM_001126054.3); c.2560C>T, p.Gln854Ter (NM_001126055.3); c.2629C>T, p.Gln877Ter (NM_001410745.1); c.2632C>T, p.Gln878Ter (NM_003688.4); short protein forms Q854*, Q878*, Q855*, Q877*, Q883*.
Identifiers: ClinVar variation 2138554 (VCV002138554.4), dbSNP rs2147059734, ClinGen allele CA412988941.
Genomic context (GRCh38, chrX:41,520,554, plus strand): 5'-TTGTCTCATCAATTTCATTGTTGATAATTGTGAGATCGAAGTAGTGTGCATATGTTCTCT[G>A]TAAGATGTCAGACTCCTTCTGCAGACGCTGAAGAGATTCATCCTAAATGGTGATGAGATG-3'

ClinVar aggregate classification (germline): Pathogenic. Review status: criteria provided, multiple submitters, no conflicts (2 of 4 stars). 2 submissions from 2 submitters: Pathogenic (2). Last evaluated 2025-12-04.

Conditions:
Syndromic X-linked intellectual disability Najm type (MICPCH). Also called: Intellectual Disability and Microcephaly with Pontine and Cerebellar Hypoplasia; Intellectual Disability and Microcephaly with Pontine and Cerebellar Hypoplasia (MICPCH); Mental retardation and microcephaly with pontine and cerebellar hypoplasia; MENTAL RETARDATION, X-LINKED, SYNDROMIC, NAJM TYPE; MICPCH SYNDROME; Intellectual developmental disorder and microcephaly with pontine and cerebellar hypoplasia. Identifiers: Orphanet 163937, MedGen C2677903, MONDO:0010417, OMIM 300749.
Intellectual disability, CASK-related, X-linked. Identifiers: MedGen CN043158.

Submissions (2):

Ozbek Human Genetics Laboratory, Izmir Biomedicine and Genome Center
Classification: Pathogenic for Syndromic X-linked intellectual disability Najm type. Last evaluated: 2025-12-04. Review status: criteria provided, single submitter. Criteria: ACMG Guidelines, 2015. Collection method: research. Allele origin: de novo. Inheritance: X-linked inheritance. Affected: yes. Observed: 1 heterozygote.
Comment: Progressive microcephaly (-4.96 SDS) was noted alongside profound motor and language impairment, with mobility limited to assisted stepping and speech to single words. Comorbidities included scoliosis, autism spectrum disorder, and epileptic encephalopathy with myoclonic jerks. Brain MRI confirmed pontocerebellar hypoplasia and atrophy. Whole exome sequencing identified a de novo heterozygous CASK nonsense variant (NM_001367721.1:c.2647C>T; p.Gln883*), classified as pathogenic, consistent with MICPCH. Data obtained via the RAREBOOST project (Horizon 2020 ERA Chairs at Izmir Biomedicine and Genome Center - IBG)

Labcorp Genetics (formerly Invitae), Labcorp
Classification: Pathogenic for Intellectual disability, CASK-related, X-linked. Last evaluated: 2024-10-24. Review status: criteria provided, single submitter. Criteria: Invitae Variant Classification Sherloc (09022015). Collection method: clinical testing. Allele origin: germline.
Comment: This sequence change creates a premature translational stop signal (p.Gln878*) in the CASK gene. While this is not anticipated to result in nonsense mediated decay, it is expected to disrupt the last 44 amino acid(s) of the CASK protein. This variant is not present in population databases (gnomAD no frequency). This premature translational stop signal has been observed in individual(s) with intellectual disability and microcephaly with pontine and cerebellar hypoplasia (PMID: 21735175). In at least one individual the variant was observed to be de novo. ClinVar contains an entry for this variant (Variation ID: 2138554). Algorithms developed to predict the effect of sequence changes on RNA splicing suggest that this variant may disrupt the consensus splice site. For these reasons, this variant has been classified as Pathogenic.

Literature cited by the submitters: PubMed 21735175 (cited by Labcorp Genetics (formerly Invitae), Labcorp).